The following is an entry in ClinVar:

ClinVar aggregate classification (germline): Likely pathogenic (1 of 4 stars; one submission).

Conditions:
Hereditary cancer-predisposing syndrome. Also called: Hereditary Cancer Syndrome; Hereditary neoplastic syndrome; Tumor predisposition; Neoplastic Syndromes, Hereditary. Identifiers: Orphanet 140162, MedGen C0027672, MeSH D009386, MONDO:0015356.

Submission:

Ambry Genetics
Classification: Likely pathogenic for Hereditary cancer-predisposing syndrome. Last evaluated: 2022-04-28. Review status: criteria provided, single submitter. Criteria: Ambry Variant Classification Scheme 2023. Collection method: clinical testing. Allele origin: germline.
Comment: The c.240_243delTATT variant, located in coding exon 3 of the XRCC2 gene, results from a deletion of 4 nucleotides at nucleotide positions 240 to 243, causing a translational frameshift with a predicted alternate stop codon (p.F80Lfs*12). This alteration occurs at the 3' terminus of the XRCC2 gene, is not expected to trigger nonsense-mediated mRNA decay, and impacts the last 201 amino acids of the protein. This variant is considered to be rare based on population cohorts in the Genome Aggregation Database (gnomAD). Based on the majority of available evidence to date, this variant is likely to be pathogenic.

NM_005431.2(XRCC2):c.240_243del (p.Phe80fs)

Gene: XRCC2 (X-ray repair cross complementing 2; minus strand). Cytogenetic location: 7q36.1.
Variant type: Microsatellite.
Coding change: c.240_243del on transcript NM_005431.2 (MANE Select); coding-DNA positions 240 to 243, 4 bases deleted (TATT; older notation c.240_243delTATT).
Protein change: p.Phe80fs; shifts the reading frame from phenylalanine 80.
Molecular consequence: frameshift variant.
Genome position (GRCh38, 1-based): chr7:152,649,242-152,649,245, AATA deleted on the plus strand (TATT on the coding strand, the reverse complement: XRCC2 is on the minus strand); deleting any 4 consecutive bases within chr7:152,649,242-152,649,250 gives the same sequence; the c. name uses the placement nearest the transcript's 3' end. VCF-style (leftmost placement, unchanged base first): chr7-152649241-CAATA-C. GRCh37 (hg19) VCF-style: chr7-152346326-CAATA-C.
Other names: short protein forms F80fs.
Identifiers: ClinVar variation 1790724 (VCV001790724.2), dbSNP rs2485881817, ClinGen allele CA2580614297.